The following is an entry in ClinVar:

ClinVar aggregate classification (germline): Uncertain significance (1 of 4 stars; one submission).

Conditions:
Hereditary breast ovarian cancer syndrome. Also called: Hereditary breast and ovarian cancer; Hereditary breast and ovarian cancer syndrome (HBOC); Breast and ovarian cancer; Hereditary breast and/or ovarian cancer syndrome; BRCA1- and BRCA2-Associated Hereditary Breast and Ovarian Cancer; Hereditary breast and ovarian cancer syndrome. Identifiers: Orphanet 145, MedGen C0677776, MeSH D061325, MONDO:0003582. Disease mechanism: loss of function.

Submissions (2):

German Consortium for Hereditary Breast and Ovarian Cancer, University Hospital Cologne
Classification: Uncertain significance for Hereditary breast ovarian cancer syndrome. Last evaluated: 2024-01-05. Review status: criteria provided, single submitter. Criteria: ACMG Guidelines, 2015. Collection method: curation. Allele origin: germline.
Comment: PM2_sup, PP3_sup, BS3. According to the ACMG standard criteria we chose these criteria: PM2 (supporting pathogenic): Absent from controls, PP3 (supporting pathogenic): Multiple lines of computational evidence support a deleterious effect, BS3 (strong benign): Functional in Findlay et al.

Brotman Baty Institute, University of Washington
No classification provided (evidence only). Condition: Breast-ovarian cancer, familial 1. Review status: no classification provided. Collection method: in vitro. Allele origin: not applicable. Functional consequence: functionally_normal. Not counted in ClinVar's aggregate classification.
ClinVar note: "not provided" was previously submitted as the classification for the variant. However, the classification appeared to be based only on an observation of functional data so it was converted to no classification on 2025-07-30.

NM_007294.4(BRCA1):c.5219T>G (p.Val1740Gly)

Gene: BRCA1 (BRCA1 DNA repair associated; minus strand). Cytogenetic location: 17q21.31.
Variant type: single nucleotide variant.
Coding change: c.5219T>G on transcript NM_007294.4 (MANE Select); coding-DNA position 5219, T replaced by G.
Protein change: p.Val1740Gly; replaces valine 1740 with glycine.
Molecular consequence: missense variant. On other transcripts: non-coding transcript variant (1).
Genome position (GRCh38, 1-based): chr17:43,057,110, A>C on the plus strand (T>G on the coding strand, the complement: BRCA1 is on the minus strand). VCF-style: chr17-43057110-A-C. GRCh37 (hg19) VCF-style: chr17-41209127-A-C.
Other names: c.5006T>G, p.Val1669Gly (NM_001407571.1, NM_001407900.1, NM_001407902.1 and 12 more transcripts); c.5285T>G, p.Val1762Gly (NM_001407581.1, NM_001407582.1); c.5282T>G, p.Val1761Gly (NM_001407583.1, NM_001407585.1, NM_001407587.1 and 1 more transcripts); c.5216T>G, p.Val1739Gly (NM_001407610.1, NM_001407611.1, NM_001407612.1 and 17 more transcripts); c.5213T>G, p.Val1738Gly (NM_001407629.1, NM_001407630.1, NM_001407631.1 and 14 more transcripts); c.5159T>G, p.Val1720Gly (NM_001407649.1); c.5141T>G, p.Val1714Gly (NM_001407652.1, NM_001407653.1, NM_001407654.1 and 1 more transcripts); c.5138T>G, p.Val1713Gly (NM_001407656.1, NM_001407657.1, NM_001407658.1); and 72 more; short protein forms V1693G, V1761G, V636G, V1740G, V1443G, V1652G, V1670G, V1696G.
Identifiers: ClinVar variation 867858 (VCV000867858.4), dbSNP rs1555576951, ClinGen allele CA10591102.
Genomic context (GRCh38, chr17:43,057,110, plus strand): 5'-ACCTTTCTGTCCTGGGATTCTCTTGCTCGCTTTGGACCTTGGTGGTTTCTTCCATTGACC[A>C]CATCTCCTCTGACTTCAAAATCATGCTGAAAGAAACCAAACACAACCCATCAGGATAAGA-3'
Protein context (NP_009225.1, residues 1730-1750): NEHDFEVRGD[Val1740Gly]VNGRNHQGPK